The following is an entry in ClinVar:

ClinVar aggregate classification (germline): Likely benign. Review status: criteria provided, multiple submitters, no conflicts (2 of 4 stars). 3 submissions from 3 submitters: Likely benign (2). 1 of the submissions does not count toward it. Last evaluated 2026-09-01.

Conditions:
TTN-related disorder. Also called: TTN-related condition; TTN-related disease; TTN-related disorders.
Dilated cardiomyopathy 1G (CMD1G). Identifiers: Orphanet 154, MedGen C1858763, MONDO:0011400, OMIM 604145.
Autosomal recessive limb-girdle muscular dystrophy type 2J (LGMDR10). Also called: Limb-girdle muscular dystrophy, type 2J; MUSCULAR DYSTROPHY, LIMB-GIRDLE, AUTOSOMAL RECESSIVE 10. Identifiers: Orphanet 140922, MedGen C1837342, MONDO:0012127, OMIM 608807.

Allele frequency attached by ClinVar (database versions not stated): gnomAD exomes 0.00001 and 0.00006; ExAC 0.00005; gnomAD 0.00005 and 0.00006; TOPMed 0.00006.
gnomAD v4.1: 28 of 1,592,516 alleles (0.0018%); highest among the groups gnomAD compares: Admixed American, 0.023%; no homozygotes.

Submissions (3):

CeGaT Center for Human Genetics Tuebingen
Classification: Likely benign. Last evaluated: 2026-09-01. Review status: criteria provided, single submitter. Criteria: CeGaT Center For Human Genetics Tuebingen Variant Classification Criteria Version 2. Collection method: clinical testing. Allele origin: germline. Affected: yes. Observed: 2 variant alleles.
Comment: TTN: BP4, BP7

Labcorp Genetics (formerly Invitae), Labcorp
Classification: Likely benign for Dilated cardiomyopathy 1G; Autosomal recessive limb-girdle muscular dystrophy type 2J. Last evaluated: 2025-11-25. Review status: criteria provided, single submitter. Criteria: Invitae Variant Classification Sherloc (09022015). Collection method: clinical testing. Allele origin: germline.

PreventionGenetics, part of Exact Sciences
Classification: Likely benign for TTN-related condition. Last evaluated: 2019-06-24. Review status: no assertion criteria provided. Collection method: clinical testing. Allele origin: germline. Not counted in ClinVar's aggregate classification.
Comment: This variant is classified as likely benign based on ACMG/AMP sequence variant interpretation guidelines (Richards et al. 2015 PMID: 25741868, with internal and published modifications).

NM_001267550.2(TTN):c.19962C>T (p.Ser6654=)

Genes: TTN (titin; minus strand), LOC126806429 (BRD4-independent group 4 enhancer GRCh37_chr2:179591393-179592592; plus strand). Cytogenetic location: 2q31.2.
Variant type: single nucleotide variant.
Coding change: c.19962C>T on transcript NM_001267550.2 (MANE Select); coding-DNA position 19962, C replaced by T.
Protein change: p.Ser6654=; no amino-acid change (serine 6654 retained).
Molecular consequence: synonymous variant. On other transcripts: intron variant (3).
Genome position (GRCh38, 1-based): chr2:178,727,616, G>A on the plus strand (C>T on the coding strand, the complement: TTN is on the minus strand). VCF-style: chr2-178727616-G-A. GRCh37 (hg19) VCF-style: chr2-179592343-G-A.
Other names: c.19011C>T, p.Ser6337= (NM_001256850.1); c.16230C>T, p.Ser5410= (NM_133378.4); c.13282+10466C>T (NM_003319.4); c.13858+10466C>T (NM_133437.4); c.13657+10466C>T (NM_133432.3).
Identifiers: ClinVar variation 1155250 (VCV001155250.12), dbSNP rs765887722, ClinGen allele CA2001302.
Genomic context (GRCh38, chr2:178,727,616, plus strand): 5'-AGAAACATAAAGGAATCAAATTTGCACACCTGTCACAAGCAACATCGTAGTACAAGAGTC[G>A]CTACCAACATCATTGGTAACATGGCAAGTATACTGTCCAGTCTTAGAAGCATCCACTGAG-3'
Protein context (NP_001254479.2, residues 6644-6664): YTCHVTNDVG[Ser6654=]DSCTTMLLVT